The following is an entry in ClinVar:

ClinVar aggregate classification (germline): Uncertain significance (1 of 4 stars; one submission).

Submission:

GeneDx
Classification: Uncertain significance. Last evaluated: 2023-01-10. Review status: criteria provided, single submitter. Criteria: GeneDx Variant Classification Process June 2021. Collection method: clinical testing. Allele origin: germline. Affected: yes.
Comment: Not observed at significant frequency in large population cohorts (gnomAD); Frameshift variant predicted to result in protein truncation or nonsense mediated decay in a gene or region of a gene for which loss of function is not a well-established mechanism of disease; Has not been previously published as pathogenic or benign to our knowledge

NM_001009999.3(KDM1A):c.1656_1659del (p.Ile552fs)

Gene: KDM1A (lysine demethylase 1A; plus strand). Cytogenetic location: 1p36.12.
Variant type: Deletion.
Coding change: c.1656_1659del on transcript NM_001009999.3 (MANE Select); coding-DNA positions 1656 to 1659, 4 bases deleted (ACTT; older notation c.1656_1659delACTT).
Protein change: p.Ile552fs; shifts the reading frame from isoleucine 552.
Molecular consequence: frameshift variant.
Genome position (GRCh38, 1-based): chr1:23,073,325-23,073,328, ACTT deleted; deleting any 4 consecutive bases within chr1:23,073,324-23,073,328 gives the same sequence; the c. name uses the placement nearest the transcript's 3' end. VCF-style (leftmost placement, unchanged base first): chr1-23073323-ATACT-A. GRCh37 (hg19) VCF-style: chr1-23399816-ATACT-A.
Other names: c.1602_1605del, p.Ile534fs (NM_001363654.2); c.1662_1665del, p.Ile554fs (NM_001410762.1); c.1584_1587del, p.Ile528fs (NM_001410763.1, NM_015013.4); short protein forms I528fs, I534fs, I552fs, I554fs.
Identifiers: ClinVar variation 2571745 (VCV002571745.1), dbSNP rs2522804429, ClinGen allele CA2580612922.
Genomic context (GRCh38, chr1:23,073,323, plus strand): 5'-TAATCCTGTAGTCCTTTGTTCTTTTGCAGTGATGTATATCTCTCATCAAGAGACAGACAA[ATACT>A]TGATTGGCATTTTGCAAATCTTGAATTTGCTAATGCCACACCTCTCTCAACTCTCTCCCT-3'